The following is an entry in ClinVar:

NM_017671.5(FERMT1):c.1695T>C (p.Phe565=)

Gene: FERMT1 (FERM domain containing kindlin 1; minus strand). Cytogenetic location: 20p12.3.
Variant type: single nucleotide variant.
Coding change: c.1695T>C on transcript NM_017671.5 (MANE Select); coding-DNA position 1695, T replaced by C.
Protein change: p.Phe565=; no amino-acid change (phenylalanine 565 retained).
Molecular consequence: synonymous variant.
Genome position (GRCh38, 1-based): chr20:6,084,063, A>G on the plus strand (T>C on the coding strand, the complement: FERMT1 is on the minus strand). VCF-style: chr20-6084063-A-G. GRCh37 (hg19) VCF-style: chr20-6064710-A-G.
Other names: p.Phe565=.
Identifiers: ClinVar variation 260868 (VCV000260868.18), dbSNP rs753927, ClinGen allele CA9758060.

ClinVar aggregate classification (germline): Benign. Review status: criteria provided, multiple submitters, no conflicts (2 of 4 stars). 6 submissions from 6 submitters: Benign (6). Last evaluated 2026-02-04.

Conditions:
Kindler syndrome (KNDLRS). Also called: Hereditary acrokeratotic poikiloderma of Weary; Poikiloderma of Kindler; Congenital bullous poikiloderma; Kindler's syndrome; POIKILODERMA, CONGENITAL, WITH BULLAE, WEARY TYPE; POIKILODERMA, HEREDITARY ACROKERATOTIC. Identifiers: Orphanet 2908, Orphanet 306539, MedGen C0406557, MONDO:0008260, OMIM 173650.

Allele frequency attached by ClinVar (database versions not stated): gnomAD 0.36989 and 0.36977; gnomAD exomes 0.37645 and 0.36312; TOPMed 0.38676; ESP Exome Variant Server 0.35968; ExAC 0.36830; 1000 Genomes Project 30x 0.39038; 1000 Genomes Project 0.39577.
gnomAD v4.1: 586,978 of 1,612,042 alleles (36%); highest among the groups gnomAD compares: East Asian, 63%; 110,378 homozygotes.

Submissions (6):

Labcorp Genetics (formerly Invitae), Labcorp
Classification: Benign. Last evaluated: 2026-02-04. Review status: criteria provided, single submitter. Criteria: Invitae Variant Classification Sherloc (09022015). Collection method: clinical testing. Allele origin: germline.

Unidad de Genómica Garrahan, Hospital de Pediatría Garrahan
Classification: Benign. Last evaluated: 2024-01-24. Review status: criteria provided, single submitter. Criteria: ACMG Guidelines, 2015. Collection method: clinical testing. Allele origin: germline. Affected: no. Observed: 63 variant alleles.
Comment: This variant is classified as Benign based on local population frequency. This variant was detected in 72% of patients studied by a panel of primary immunodeficiencies. Number of patients: 63. Only high quality variants are reported.

Mayo Clinic Laboratories, Mayo Clinic
Classification: Benign. Last evaluated: 2022-09-06. Review status: criteria provided, single submitter. Criteria: ACMG Guidelines, 2015. Collection method: clinical testing. Allele origin: germline. Observed: 93 variant alleles.

Illumina Laboratory Services, Illumina
Classification: Benign for Kindler syndrome. Last evaluated: 2018-01-12. Review status: criteria provided, single submitter. Criteria: ICSL Variant Classification Criteria 13 December 2019. Collection method: clinical testing. Allele origin: germline.
Comment: This variant was observed in the ICSL laboratory as part of a predisposition screen in an ostensibly healthy population. It had not been previously curated by ICSL or reported in the Human Gene Mutation Database (HGMD: prior to June 1st, 2018), and was therefore a candidate for classification through an automated scoring system. Utilizing variant allele frequency, disease prevalence and penetrance estimates, and inheritance mode, an automated score was calculated to assess if this variant is too frequent to cause the disease. Based on the score and internal cut-off values, a variant classified as benign is not then subjected to further curation. The score for this variant resulted in a classification of benign for this disease.

Breakthrough Genomics
Classification: Benign. Review status: criteria provided, single submitter. Criteria: ACMG Guidelines, 2015. Collection method: not provided. Allele origin: germline. Inheritance: Autosomal recessive inheritance. Affected: yes.

PreventionGenetics, part of Exact Sciences
Classification: Benign. Review status: criteria provided, single submitter. Criteria: ACMG Guidelines, 2015. Collection method: clinical testing. Allele origin: germline.